The following is an entry in ClinVar:

ClinVar aggregate classification (germline): Uncertain significance (1 of 4 stars; one submission).

gnomAD v4.1: 2 of 940,276 alleles (0.00021%); highest among the groups gnomAD compares: South Asian, 0.0013%; no homozygotes.

Submission:

Labcorp Genetics (formerly Invitae), Labcorp
Classification: Uncertain significance. Last evaluated: 2025-07-27. Review status: criteria provided, single submitter. Criteria: Invitae Variant Classification Sherloc (09022015). Collection method: clinical testing. Allele origin: germline.
Comment: This variant occurs in the HNF1A gene, which encodes an RNA molecule that does not result in a protein product. This variant is not present in population databases (gnomAD no frequency). This variant has not been reported in the literature in individuals affected with HNF1A-related conditions. Experimental studies and prediction algorithms are not available or were not evaluated, and the functional significance of this variant is currently unknown. In summary, the available evidence is currently insufficient to determine the role of this variant in disease. Therefore, it has been classified as a Variant of Uncertain Significance.

NM_000545.8(HNF1A):c.-121G>T

Gene: HNF1A (HNF1 homeobox A; plus strand). Cytogenetic location: 12q24.31.
Variant type: single nucleotide variant.
Coding change: c.-121G>T on transcript NM_000545.8 (MANE Select); 121 bases upstream of the start codon, G replaced by T.
Molecular consequence: 5 prime UTR variant.
Genome position (GRCh38, 1-based): chr12:120,978,648, G>T. VCF-style: chr12-120978648-G-T. GRCh37 (hg19) VCF-style: chr12-121416451-G-T.
Other names: c.-121G>T (NM_001306179.2, NM_001406915.1).
Identifiers: ClinVar variation 4781501 (VCV004781501.1).
Genomic context (GRCh38, chr12:120,978,648, plus strand): 5'-GCTGGGGCCAGGGTTGGGGGTTGGGGGTGCCCACAGGGCTTGGCTAGTGGGGTTTTGGGG[G>T]GGCAGTGGGTGCAAGGAGTTTGGTTTGTGTCTGCCGGCCGGCAGGCAAACGCAACCCACG-3'